The following is an entry in ClinVar:

ClinVar aggregate classification (germline): Uncertain significance (1 of 4 stars; one submission).

Conditions:
Inborn genetic diseases. Identifiers: MedGen C0950123, MeSH D030342.

gnomAD v4.1: 2 of 1,613,788 alleles (0.00012%); highest among the groups gnomAD compares: Admixed American, 0.0033%; no homozygotes.

Submission:

Ambry Genetics
Classification: Uncertain significance for Inborn genetic diseases. Last evaluated: 2024-12-14. Review status: criteria provided, single submitter. Criteria: Ambry Variant Classification Scheme 2023. Collection method: clinical testing. Allele origin: germline.
Comment: The p.L47V variant (also known as c.139C>G), located in coding exon 2 of the SBDS gene, results from a C to G substitution at nucleotide position 139. The leucine at codon 47 is replaced by valine, an amino acid with highly similar properties. This amino acid position is conserved. In addition, the in silico prediction for this alteration is inconclusive. Based on the available evidence, the clinical significance of this variant remains unclear.

NM_016038.4(SBDS):c.139C>G (p.Leu47Val)

Gene: SBDS (SBDS ribosome maturation factor; minus strand). Cytogenetic location: 7q11.21.
Variant type: single nucleotide variant.
Coding change: c.139C>G on transcript NM_016038.4 (MANE Select); coding-DNA position 139, C replaced by G.
Protein change: p.Leu47Val; replaces leucine 47 with valine.
Molecular consequence: missense variant.
Genome position (GRCh38, 1-based): chr7:66,994,331, G>C on the plus strand (C>G on the coding strand, the complement: SBDS is on the minus strand). VCF-style: chr7-66994331-G-C. GRCh37 (hg19) VCF-style: chr7-66459318-G-C.
Other names: short protein forms L47V.
Identifiers: ClinVar variation 3792698 (VCV003792698.1).